The following is an entry in ClinVar:

NM_020822.3(KCNT1):c.26C>A (p.Thr9Asn)

Gene: KCNT1 (potassium sodium-activated channel subfamily T member 1; plus strand). Cytogenetic location: 9q34.3.
Variant type: single nucleotide variant.
Coding change: c.26C>A on transcript NM_020822.3 (MANE Select); coding-DNA position 26, C replaced by A.
Protein change: p.Thr9Asn; replaces threonine 9 with asparagine.
Molecular consequence: missense variant.
Genome position (GRCh38, 1-based): chr9:135,702,284, C>A. VCF-style: chr9-135702284-C-A. GRCh37 (hg19) VCF-style: chr9-138594130-C-A.
Other names: c.26C>A, p.Thr9Asn (NM_001272003.2); short protein forms T9N.
Identifiers: ClinVar variation 1927486 (VCV001927486.5), dbSNP rs771423997, ClinGen allele CA375492530.

ClinVar aggregate classification (germline): Uncertain significance (1 of 4 stars; one submission).

Conditions:
Autosomal dominant nocturnal frontal lobe epilepsy 5. Also called: CILIARY DYSKINESIA, PRIMARY, 28, WITHOUT SITUS INVERSUS; Epilepsy, nocturnal frontal lobe, 5; KCNT1-Related Epilepsy; CILIARY DYSKINESIA, PRIMARY, 28, WITH SITUS INVERSUS. Identifiers: Orphanet 98784, MedGen C3554306, MONDO:0014002, OMIM 615005.
Developmental and epileptic encephalopathy, 14 (DEE14). Also called: Early infantile epileptic encephalopathy 14. Identifiers: Orphanet 293181, MedGen C3554195, MONDO:0013989, OMIM 614959.

gnomAD v4.1: 4 of 1,609,068 alleles (0.00025%); highest among the groups gnomAD compares: Middle Eastern, 0.017%; no homozygotes.

Submission:

Labcorp Genetics (formerly Invitae), Labcorp
Classification: Uncertain significance for Autosomal dominant nocturnal frontal lobe epilepsy 5; Developmental and epileptic encephalopathy, 14. Last evaluated: 2023-12-19. Review status: criteria provided, single submitter. Criteria: Invitae Variant Classification Sherloc (09022015). Collection method: clinical testing. Allele origin: germline.
Comment: This sequence change replaces threonine, which is neutral and polar, with asparagine, which is neutral and polar, at codon 9 of the KCNT1 protein (p.Thr9Asn). This variant is present in population databases (no rsID available, gnomAD no frequency). This variant has not been reported in the literature in individuals affected with KCNT1-related conditions. ClinVar contains an entry for this variant (Variation ID: 1927486). Advanced modeling of protein sequence and biophysical properties (such as structural, functional, and spatial information, amino acid conservation, physicochemical variation, residue mobility, and thermodynamic stability) performed at Invitae indicates that this missense variant is not expected to disrupt KCNT1 protein function with a negative predictive value of 95%. In summary, the available evidence is currently insufficient to determine the role of this variant in disease. Therefore, it has been classified as a Variant of Uncertain Significance.